The following is an entry in ClinVar:

NM_021619.3(PRDM12):c.1065C>G (p.Ala355=)

Gene: PRDM12 (PR/SET domain 12; plus strand). Cytogenetic location: 9q34.12.
Variant type: single nucleotide variant.
Coding change: c.1065C>G on transcript NM_021619.3 (MANE Select); coding-DNA position 1065, C replaced by G.
Protein change: p.Ala355=; no amino-acid change (alanine 355 retained).
Molecular consequence: synonymous variant.
Genome position (GRCh38, 1-based): chr9:130,681,630, C>G. VCF-style: chr9-130681630-C-G. GRCh37 (hg19) VCF-style: chr9-133557017-C-G.
Identifiers: ClinVar variation 1603926 (VCV001603926.32), dbSNP rs924884910, ClinGen allele CA200624816.

ClinVar aggregate classification (germline): Likely benign. Review status: criteria provided, multiple submitters, no conflicts (2 of 4 stars). 2 submissions from 2 submitters: Likely benign (2). Last evaluated 2025-10-08.

Conditions:
Congenital insensitivity to pain-hypohidrosis syndrome. Also called: HSAN VIII; Neuropathy, hereditary sensory and autonomic, type VIII. Identifiers: Orphanet 478664, MedGen C4225308, MONDO:0014662, OMIM 616488.

Allele frequency attached by ClinVar (database versions not stated): TOPMed 0.00005.

Submissions (2):

Labcorp Genetics (formerly Invitae), Labcorp
Classification: Likely benign for Congenital insensitivity to pain-hypohidrosis syndrome. Last evaluated: 2025-10-08. Review status: criteria provided, single submitter. Criteria: Invitae Variant Classification Sherloc (09022015). Collection method: clinical testing. Allele origin: germline.

CeGaT Center for Human Genetics Tuebingen
Classification: Likely benign. Last evaluated: 2022-09-01. Review status: criteria provided, single submitter. Criteria: CeGaT Center For Human Genetics Tuebingen Variant Classification Criteria Version 2. Collection method: clinical testing. Allele origin: germline. Affected: yes. Observed: 1 variant allele.
Comment: PRDM12: PM2:Supporting, BP4, BP7